The following is an entry in ClinVar:

NM_001166114.2(PNPLA6):c.3700-3C>T

Gene: PNPLA6 (patatin like domain 6, lysophospholipase; plus strand). Cytogenetic location: 19p13.2.
Variant type: single nucleotide variant.
Coding change: c.3700-3C>T on transcript NM_001166114.2 (MANE Select); 3 bases into the intron before coding-DNA position 3700, C replaced by T.
Molecular consequence: intron variant.
Genome position (GRCh38, 1-based): chr19:7,560,645, C>T. VCF-style: chr19-7560645-C-T. GRCh37 (hg19) VCF-style: chr19-7625531-C-T.
Other names: c.3586-3C>T (NM_006702.5, NM_001166113.1); c.3505-3C>T (NM_001166112.2); c.3730-3C>T (NM_001166111.2).
Identifiers: ClinVar variation 1005678 (VCV001005678.6), dbSNP rs766686613, ClinGen allele CA2320979309.

ClinVar aggregate classification (germline): Uncertain significance (1 of 4 stars; one submission).

Conditions:
Hereditary spastic paraplegia 39 (SPG39). Also called: Spastic Paraplegia Type 39 (SPG39); SPASTIC PARAPLEGIA 39, AUTOSOMAL RECESSIVE. Identifiers: Orphanet 139480, MedGen C2677586, MONDO:0012787, OMIM 612020.

Allele frequency attached by ClinVar (database versions not stated): gnomAD exomes below 0.00001.
gnomAD v4.1: 1 of 1,604,432 alleles (0.000062%); highest among the groups gnomAD compares: Non-Finnish European, 0.000085%; no homozygotes.

Submission:

Labcorp Genetics (formerly Invitae), Labcorp
Classification: Uncertain significance for Hereditary spastic paraplegia 39. Last evaluated: 2020-08-16. Review status: criteria provided, single submitter. Criteria: Invitae Variant Classification Sherloc (09022015). Collection method: clinical testing. Allele origin: germline.
Comment: This sequence change falls in intron 31 of the PNPLA6 gene. It does not directly change the encoded amino acid sequence of the PNPLA6 protein, but it affects a nucleotide within the consensus splice site of the intron. In summary, the available evidence is currently insufficient to determine the role of this variant in disease. Therefore, it has been classified as a Variant of Uncertain Significance. Nucleotide substitutions within the consensus splice site are a relatively common cause of aberrant splicing (PMID: 17576681, 9536098). Algorithms developed to predict the effect of sequence changes on RNA splicing suggest that this variant is not likely to affect RNA splicing, but this prediction has not been confirmed by published transcriptional studies. This variant has not been reported in the literature in individuals with PNPLA6-related conditions. This variant is not present in population databases (ExAC no frequency).

Literature cited by the submitters: PubMed 17576681; PubMed 9536098.